The following is an entry in ClinVar:

ClinVar aggregate classification (germline): Uncertain significance. Review status: criteria provided, multiple submitters, no conflicts (2 of 4 stars). 2 submissions from 2 submitters: Uncertain significance (2). Last evaluated 2025-04-10.

Allele frequency attached by ClinVar (database versions not stated): ExAC 0.00014; 1000 Genomes Project 30x 0.00016; 1000 Genomes Project 0.00020; gnomAD exomes 0.00027; TOPMed 0.00030; ESP Exome Variant Server 0.00031; gnomAD 0.00033.
gnomAD v4.1: 447 of 1,612,770 alleles (0.028%); highest among the groups gnomAD compares: Non-Finnish European, 0.036%; no homozygotes.

Submissions (2):

Ambry Genetics
Classification: Uncertain significance. Last evaluated: 2025-04-10. Review status: criteria provided, single submitter. Criteria: Ambry Variant Classification Scheme 2023. Collection method: clinical testing. Allele origin: germline.

CeGaT Center for Human Genetics Tuebingen
Classification: Uncertain significance. Last evaluated: 2022-06-01. Review status: criteria provided, single submitter. Criteria: CeGaT Center For Human Genetics Tuebingen Variant Classification Criteria Version 2. Collection method: clinical testing. Allele origin: germline. Affected: yes. Observed: 1 variant allele.
Comment: SVIL: PM2, BP4

NM_021738.3(SVIL):c.2221A>C (p.Thr741Pro)

Gene: SVIL (supervillin; minus strand). Cytogenetic location: 10p11.23.
Variant type: single nucleotide variant.
Coding change: c.2221A>C on transcript NM_021738.3 (MANE Select); coding-DNA position 2221, A replaced by C.
Protein change: p.Thr741Pro; replaces threonine 741 with proline.
Molecular consequence: missense variant.
Genome position (GRCh38, 1-based): chr10:29,529,730, T>G on the plus strand (A>C on the coding strand, the complement: SVIL is on the minus strand). VCF-style: chr10-29529730-T-G. GRCh37 (hg19) VCF-style: chr10-29818659-T-G.
Other names: c.1291A>C, p.Thr431Pro (NM_001323599.2); c.1039A>C, p.Thr347Pro (NM_001323600.1, NM_003174.3); short protein forms T347P, T431P, T741P.
Identifiers: ClinVar variation 2326481 (VCV002326481.26), dbSNP rs147177967, ClinGen allele CA5457243.